The following is an entry in ClinVar:

NM_001458.5(FLNC):c.2338A>G (p.Lys780Glu)

Gene: FLNC (filamin C; plus strand). Cytogenetic location: 7q32.1.
Variant type: single nucleotide variant.
Coding change: c.2338A>G on transcript NM_001458.5 (MANE Select); coding-DNA position 2338, A replaced by G.
Protein change: p.Lys780Glu; replaces lysine 780 with glutamic acid.
Molecular consequence: missense variant.
Genome position (GRCh38, 1-based): chr7:128,842,647, A>G. VCF-style: chr7-128842647-A-G. GRCh37 (hg19) VCF-style: chr7-128482701-A-G.
Other names: c.2338A>G, p.Lys780Glu (NM_001127487.2); short protein forms K780E.
Identifiers: ClinVar variation 2940151 (VCV002940151.3), dbSNP rs1487660980, ClinGen allele CA369191264.
Genomic context (GRCh38, chr7:128,842,647, plus strand): 5'-GAGGGCAGCCACCCCGAGCGGGTAAAGGTGTACGGCCCCGGAGTGGAGAAGACAGGCCTC[A>G]AGGCCAATGAGCCCACCTACTTCACGGTGGACTGCAGCGAGGCGGGGCAAGGTGCGCCCA-3'
Protein context (NP_001449.3, residues 770-790): YGPGVEKTGL[Lys780Glu]ANEPTYFTVD

ClinVar aggregate classification (germline): Uncertain significance (1 of 4 stars; one submission).

Conditions:
Hypertrophic cardiomyopathy 26. Also called: Cardiomyopathy, familial hypertrophic, 26. Identifiers: Orphanet 75249, MedGen C4310749, MONDO:0014883, OMIM 617047.
Myofibrillar myopathy 5. Also called: Filaminopathy (type); FILAMINOPATHY, AUTOSOMAL DOMINANT. Identifiers: Orphanet 171445, MedGen C1836050, MONDO:0012289, OMIM 609524.
Distal myopathy with posterior leg and anterior hand involvement. Also called: WILLIAMS DISTAL MYOPATHY. Identifiers: Orphanet 63273, MedGen C3279722, MONDO:0013550, OMIM 614065.

Allele frequency attached by ClinVar (database versions not stated): gnomAD exomes below 0.00001.
gnomAD v4.1: 3 of 1,552,236 alleles (0.00019%); highest among the groups gnomAD compares: Non-Finnish European, 0.00026%; no homozygotes.

Submission:

Labcorp Genetics (formerly Invitae), Labcorp
Classification: Uncertain significance for Distal myopathy with posterior leg and anterior hand involvement; Myofibrillar myopathy 5; Hypertrophic cardiomyopathy 26. Last evaluated: 2024-10-31. Review status: criteria provided, single submitter. Criteria: Invitae Variant Classification Sherloc (09022015). Collection method: clinical testing. Allele origin: germline.
Comment: This sequence change replaces lysine, which is basic and polar, with glutamic acid, which is acidic and polar, at codon 780 of the FLNC protein (p.Lys780Glu). This variant is present in population databases (no rsID available, gnomAD 0.002%). This variant has not been reported in the literature in individuals affected with FLNC-related conditions. ClinVar contains an entry for this variant (Variation ID: 2940151). Invitae Evidence Modeling of protein sequence and biophysical properties (such as structural, functional, and spatial information, amino acid conservation, physicochemical variation, residue mobility, and thermodynamic stability) has been performed for this missense variant. However, the output from this modeling did not meet the statistical confidence thresholds required to predict the impact of this variant on FLNC protein function. In summary, the available evidence is currently insufficient to determine the role of this variant in disease. Therefore, it has been classified as a Variant of Uncertain Significance.